The following is an entry in ClinVar:

ClinVar aggregate classification (germline): Uncertain significance (1 of 4 stars; one submission).

Allele frequency attached by ClinVar (database versions not stated): gnomAD exomes below 0.00001.
gnomAD v4.1: 1 of 1,614,186 alleles (0.000062%); highest among the groups gnomAD compares: Non-Finnish European, 0.000085%; no homozygotes.

Submission:

Labcorp Genetics (formerly Invitae), Labcorp
Classification: Uncertain significance. Last evaluated: 2022-05-08. Review status: criteria provided, single submitter. Criteria: Invitae Variant Classification Sherloc (09022015). Collection method: clinical testing. Allele origin: germline.
Comment: This sequence change replaces lysine, which is basic and polar, with arginine, which is basic and polar, at codon 2608 of the KMT2A protein (p.Lys2608Arg). In summary, the available evidence is currently insufficient to determine the role of this variant in disease. Therefore, it has been classified as a Variant of Uncertain Significance. Algorithms developed to predict the effect of missense changes on protein structure and function are either unavailable or do not agree on the potential impact of this missense change (SIFT: "Tolerated"; PolyPhen-2: "Probably Damaging"; Align-GVGD: "Class C0"). This variant has not been reported in the literature in individuals affected with KMT2A-related conditions. This variant is not present in population databases (gnomAD no frequency).

NM_001197104.2(KMT2A):c.7823A>G (p.Lys2608Arg)

Gene: KMT2A (lysine methyltransferase 2A; plus strand). Cytogenetic location: 11q23.3.
Variant type: single nucleotide variant.
Coding change: c.7823A>G on transcript NM_001197104.2 (MANE Select); coding-DNA position 7823, A replaced by G.
Protein change: p.Lys2608Arg; replaces lysine 2608 with arginine.
Molecular consequence: missense variant.
Genome position (GRCh38, 1-based): chr11:118,503,715, A>G. VCF-style: chr11-118503715-A-G. GRCh37 (hg19) VCF-style: chr11-118374430-A-G.
Other names: c.7913A>G, p.Lys2638Arg (NM_001412597.1); c.7814A>G, p.Lys2605Arg (NM_005933.4); short protein forms K2605R, K2638R, K2608R.
Identifiers: ClinVar variation 2086814 (VCV002086814.4), dbSNP rs2497003341, ClinGen allele CA382807361.
Genomic context (GRCh38, chr11:118,503,715, plus strand): 5'-GTAACAACTATCAGAATCTTCCAGTACAGGACAGAAACCTAATGCTTCCAGATGGCCCCA[A>G]ACCTCAGGAGGATGGCTCTTTTAAAAGGAGGTATCCCCGTCGCAGTGCCCGTGCACGTTC-3'
Protein context (NP_001184033.1, residues 2598-2618): DRNLMLPDGP[Lys2608Arg]PQEDGSFKRR